The following is an entry in ClinVar:

ClinVar aggregate classification (germline): Benign (1 of 4 stars; one submission).

Submission:

CeGaT Center for Human Genetics Tuebingen
Classification: Benign. Last evaluated: 2025-08-01. Review status: criteria provided, single submitter. Criteria: CeGaT Center For Human Genetics Tuebingen Variant Classification Criteria Version 2. Collection method: clinical testing. Allele origin: germline. Affected: yes. Observed: 1 variant allele.
Comment: DNAJC13: BS1, BS2

NM_015268.4(DNAJC13):c.1180-14_1180-13del

Gene: DNAJC13 (DnaJ heat shock protein family (Hsp40) member C13; plus strand). Cytogenetic location: 3q22.1.
Variant type: Microsatellite.
Coding change: c.1180-14_1180-13del on transcript NM_015268.4 (MANE Select); 14 bases into the intron before coding-DNA position 1180 through 13 bases into the intron before coding-DNA position 1180, 2 bases deleted (CT; older notation c.1180-14_1180-13delCT).
Molecular consequence: intron variant.
Genome position (GRCh38, 1-based): chr3:132,456,649-132,456,650, CT deleted; deleting any 2 consecutive bases within chr3:132,456,647-132,456,650 gives the same sequence; the c. name uses the placement nearest the transcript's 3' end. VCF-style (leftmost placement, unchanged base first): chr3-132456646-ACT-A. GRCh37 (hg19) VCF-style: chr3-132175490-ACT-A.
Other names: c.1180-14_1180-13del (NM_001329126.2).
Identifiers: ClinVar variation 4084097 (VCV004084097.8).